The following is an entry in ClinVar:

ClinVar aggregate classification (germline): Uncertain significance (1 of 4 stars; one submission).

Submission:

GeneDx
Classification: Uncertain significance. Last evaluated: 2018-03-01. Review status: criteria provided, single submitter. Criteria: GeneDx Variant Classification (06012015). Collection method: clinical testing. Allele origin: germline. Affected: yes.
Comment: The c.878delG variant in the GHSR gene has not been reported previously as a pathogenic variant nor as a benign variant, to our knowledge. The c.878delG variant causes a frameshift starting with codon Glycine 293, changes this amino acid to an Alanine residue, and creates a premature Stop codon at position 59 of the new reading frame, denoted p.Gly293AlafsX59. This variant is predicted to cause loss of normal protein function through protein truncation. The c.878delG variant is observed in 1/246248 alleles in large population cohorts (Lek et al., 2016). We interpret c.878delG as a variant of uncertain significance.

NM_198407.2(GHSR):c.878del (p.Gly293fs)

Gene: GHSR (growth hormone secretagogue receptor; minus strand). Cytogenetic location: 3q26.31.
Variant type: Deletion.
Coding change: c.878del on transcript NM_198407.2 (MANE Select); coding-DNA position 878, one base deleted (G; older notation c.878delG).
Protein change: p.Gly293fs; shifts the reading frame from glycine 293.
Molecular consequence: frameshift variant.
Genome position (GRCh38, 1-based): chr3:172,445,384, C deleted on the plus strand (G on the coding strand, the reverse complement: GHSR is on the minus strand); the first of 2 consecutive C bases (chr3:172,445,384-172,445,385); deleting either gives the same sequence. VCF-style (leftmost placement, unchanged base first): chr3-172445383-GC-G. GRCh37 (hg19) VCF-style: chr3-172163173-GC-G.
Other names: c.878delG (NM_198407.2); short protein forms G293fs.
Identifiers: ClinVar variation 523969 (VCV000523969.2), dbSNP rs1324810142, ClinGen allele CA548333832.